The following is an entry in ClinVar:

NM_000275.3(OCA2):c.2506G>A (p.Gly836Arg)

Gene: OCA2 (OCA2 melanosomal transmembrane protein; minus strand). Cytogenetic location: 15q12.
Variant type: single nucleotide variant.
Coding change: c.2506G>A on transcript NM_000275.3 (MANE Select); coding-DNA position 2506, G replaced by A.
Protein change: p.Gly836Arg; replaces glycine 836 with arginine.
Molecular consequence: missense variant.
Genome position (GRCh38, 1-based): chr15:27,755,399, C>T on the plus strand (G>A on the coding strand, the complement: OCA2 is on the minus strand). VCF-style: chr15-27755399-C-T. GRCh37 (hg19) VCF-style: chr15-28000545-C-T.
Other names: c.2434G>A, p.Gly812Arg (NM_001300984.2); short protein forms G812R, G836R.
Identifiers: ClinVar variation 1416941 (VCV001416941.5), dbSNP rs770934507, ClinGen allele CA7438548.

ClinVar aggregate classification (germline): Uncertain significance (1 of 4 stars; one submission).

Allele frequency attached by ClinVar (database versions not stated): ExAC 0.00001; gnomAD 0.00001; TOPMed 0.00001.
gnomAD v4.1: 9 of 1,612,018 alleles (0.00056%); highest among the groups gnomAD compares: Non-Finnish European, 0.00076%; no homozygotes.

Submission:

Labcorp Genetics (formerly Invitae), Labcorp
Classification: Uncertain significance. Last evaluated: 2025-01-06. Review status: criteria provided, single submitter. Criteria: Invitae Variant Classification Sherloc (09022015). Collection method: clinical testing. Allele origin: germline.
Comment: This sequence change replaces glycine, which is neutral and non-polar, with arginine, which is basic and polar, at codon 836 of the OCA2 protein (p.Gly836Arg). This variant is present in population databases (rs770934507, gnomAD 0.002%). This variant has not been reported in the literature in individuals affected with OCA2-related conditions. ClinVar contains an entry for this variant (Variation ID: 1416941). Invitae Evidence Modeling of protein sequence and biophysical properties (such as structural, functional, and spatial information, amino acid conservation, physicochemical variation, residue mobility, and thermodynamic stability) indicates that this missense variant is not expected to disrupt OCA2 protein function with a negative predictive value of 80%. In summary, the available evidence is currently insufficient to determine the role of this variant in disease. Therefore, it has been classified as a Variant of Uncertain Significance.